The following is an entry in ClinVar:

ClinVar aggregate classification (germline): Uncertain significance (1 of 4 stars; one submission).

Conditions:
Inborn genetic diseases. Identifiers: MedGen C0950123, MeSH D030342.

Submission:

Ambry Genetics
Classification: Uncertain significance for Inborn genetic diseases. Last evaluated: 2024-05-07. Review status: criteria provided, single submitter. Criteria: Ambry Variant Classification Scheme 2023. Collection method: clinical testing. Allele origin: germline.
Comment: The p.R728T variant (also known as c.2183G>C), located in coding exon 17 of the BUB1B gene, results from a G to C substitution at nucleotide position 2183. The arginine at codon 728 is replaced by threonine, an amino acid with similar properties. This amino acid position is conserved. In addition, this alteration is predicted to be tolerated by in silico analysis. Since supporting evidence is limited at this time, the clinical significance of this alteration remains unclear.

NM_001211.6(BUB1B):c.2183G>C (p.Arg728Thr)

Gene: BUB1B (BUB1 mitotic checkpoint serine/threonine kinase B; plus strand). Cytogenetic location: 15q15.1.
Variant type: single nucleotide variant.
Coding change: c.2183G>C on transcript NM_001211.6 (MANE Select); coding-DNA position 2183, G replaced by C.
Protein change: p.Arg728Thr; replaces arginine 728 with threonine.
Molecular consequence: missense variant.
Genome position (GRCh38, 1-based): chr15:40,209,674, G>C. VCF-style: chr15-40209674-G-C. GRCh37 (hg19) VCF-style: chr15-40501875-G-C.
Other names: short protein forms R728T.
Identifiers: ClinVar variation 1787299 (VCV001787299.4), dbSNP rs768783826, ClinGen allele CA391694266.